The following is an entry in ClinVar:

NM_001350920.2(GOLGA8F):c.1086G>A (p.Glu362=)

Gene: GOLGA8F (golgin A8 family member F; plus strand). Cytogenetic location: 15q13.1.
Variant type: single nucleotide variant.
Coding change: c.1086G>A on transcript NM_001350920.2 (MANE Select); coding-DNA position 1086, G replaced by A.
Protein change: p.Glu362=; no amino-acid change (glutamic acid 362 retained).
Molecular consequence: synonymous variant. On other transcripts: non-coding transcript variant (1).
Genome position (GRCh38, 1-based): chr15:28,385,333, G>A. VCF-style: chr15-28385333-G-A. GRCh37 (hg19) VCF-style: chr15-28630479-G-A.
Identifiers: ClinVar variation 4084286 (VCV004084286.8).

ClinVar aggregate classification (germline): Likely benign (1 of 4 stars; one submission).

Submission:

CeGaT Center for Human Genetics Tuebingen
Classification: Likely benign. Last evaluated: 2025-07-01. Review status: criteria provided, single submitter. Criteria: CeGaT Center For Human Genetics Tuebingen Variant Classification Criteria Version 2. Collection method: clinical testing. Allele origin: germline. Affected: yes. Observed: 1 variant allele.
Comment: GOLGA8F: BP4, BP7